The following is an entry in ClinVar:

ClinVar aggregate classification (germline): Pathogenic. Review status: reviewed by expert panel (3 of 4 stars). 5 submissions from 5 submitters: Pathogenic (1). 4 of the submissions do not count toward it. Last evaluated 2022-04-07.

Conditions:
Glanzmann thrombasthenia 2. Also called: BLEEDING DISORDER, PLATELET-TYPE, 23. Identifiers: MedGen C5543273, MONDO:0031009, OMIM 619267.
Myocardial infarction, susceptibility to. Identifiers: MedGen C1832662, MONDO:0012039, OMIM 608446.
Bleeding disorder, platelet-type, 24. Also called: GLANZMANN THROMBASTHENIA-LIKE WITH MACROTHROMBOCYTOPENIA 2. Identifiers: MedGen C5543280, MONDO:0030996, OMIM 619271.
Glanzmann thrombasthenia. Also called: PLATELET GLYCOPROTEIN IIb-IIIa DEFICIENCY; BLEEDING DISORDER, PLATELET-TYPE, 2; THROMBASTHENIA OF GLANZMANN AND NAEGELI; Thrombasthenia; Glanzmann's thrombasthenia. Identifiers: Orphanet 849, MedGen C0040015, MONDO:0100326.

Allele frequency attached by ClinVar (database versions not stated): gnomAD exomes below 0.00001; TOPMed below 0.00001; gnomAD 0.00001; ESP Exome Variant Server 0.00008.
gnomAD v4.1: 6 of 1,614,090 alleles (0.00037%); highest among the groups gnomAD compares: African/African-American, 0.004%; no homozygotes.

Submissions (5):

ClinGen Platelet Disorders Variant Curation Expert Panel, ClinGen
Classification: Pathogenic for Glanzmann thrombasthenia. Last evaluated: 2022-04-07. Review status: reviewed by expert panel. Criteria: ClinGen Platelet ACMG Specifications v2-1. Collection method: curation. Allele origin: germline. Inheritance: Autosomal recessive inheritance.
Comment: The NM_000212.3(ITGB3):c.725G>A (p.Arg242Gln) missense variant has a REVEL score of 0.859, which is above the ClinGen PD VCEP threshold of >0.7 and predicts a damaging effect on function (PP3). Surface expression of αIIbβ3 measured by flow cytometry in 293 cells transiently co-transfected with Arg242Gln (here referred to as Arg216Gln) variant β3 and wild type αIIb showed decreased expression at approximately 20% of WT levels indicating that this variant impacts protein function (PMID: 11806996; PS3_moderate). It is absent from gnomAD v2.1.1 (PM2_Supporting). At least 2 GT patients homozygous for this variant have been reported in PMID: 9215749 and PMID: 19691478 (PM3). And At least one patient (Patient GT4 in PMID:25373348) with this variant displayed mucocutaneous bleeding and impaired aggregation with all agonists except ristocetin, which is highly specific for Glanzmann thrombasthenia. Additionally, αIIbβ3 surface expression was severely reduced, as measured by flow cytometry and function was pathological. ITGA2B and ITGB3 were sequenced across all exons and intron/exon boundaries (PP4_strong). In summary, this variant meets the criteria to be classified as Pathogenic for autosomal recessive Glanzmann Thrombasthenia based on the ACMG/AMP criteria applied, as specified by the ClinGen PD VCEP: PS3_moderate, PP4_strong, PM2_supporting, PM3, PP3. (VCEP specifications version 2; date of approval 02/03/2022)

Labcorp Genetics (formerly Invitae), Labcorp
Classification: Likely pathogenic. Last evaluated: 2026-01-20. Review status: criteria provided, single submitter. Criteria: Invitae Variant Classification Sherloc (09022015). Collection method: clinical testing. Allele origin: germline. Not counted in ClinVar's aggregate classification.
Comment: This sequence change replaces arginine, which is basic and polar, with glutamine, which is neutral and polar, at codon 242 of the ITGB3 protein (p.Arg242Gln). This variant is not present in population databases (gnomAD no frequency). This missense change has been observed in individuals with Glanzmann thrombasthenia (PMID: 9215749, 19691478, 25373348). This variant is also known as p.Arg216Gln. ClinVar contains an entry for this variant (Variation ID: 1879043). Invitae Evidence Modeling of protein sequence and biophysical properties (such as structural, functional, and spatial information, amino acid conservation, physicochemical variation, residue mobility, and thermodynamic stability) has been performed for this missense variant. However, the output from this modeling did not meet the statistical confidence thresholds required to predict the impact of this variant on ITGB3 protein function. Experimental studies have shown that this missense change affects ITGB3 function (PMID: 11806996). In summary, the currently available evidence indicates that the variant is pathogenic, but additional data are needed to prove that conclusively. Therefore, this variant has been classified as Likely Pathogenic.

Fulgent Genetics
Classification: Likely pathogenic for Myocardial infarction, susceptibility to; Glanzmann thrombasthenia 2; Bleeding disorder, platelet-type, 24. Last evaluated: 2024-05-20. Review status: criteria provided, single submitter. Criteria: ACMG Guidelines, 2015. Collection method: clinical testing. Allele origin: germline. Not counted in ClinVar's aggregate classification.

Women's Health and Genetics/Laboratory Corporation of America, LabCorp
Classification: Pathogenic for Glanzmann thrombasthenia 2. Last evaluated: 2024-05-15. Review status: criteria provided, single submitter. Criteria: LabCorp Variant Classification Summary - May 2015. Collection method: clinical testing. Allele origin: germline. Not counted in ClinVar's aggregate classification.
Comment: Variant summary: ITGB3 c.725G>A (p.Arg242Gln), also reported as "Arg216Gln", results in a conservative amino acid change located in the Integrin beta subunit, VWA domain (IPR002369) of the encoded protein sequence. Three of five in-silico tools predict a damaging effect of the variant on protein function. The variant was absent in 249024 control chromosomes. c.725G>A has been reported in the literature in the presumed compound heterozygous and homozygous states in multiple individuals affected with autosomal recessive Glanzmann Thrombasthenia 2 (example, Sandrock-Lang_2015, Nurden_2011, French_1997, Kannan_2009). These data indicate that the variant is likely to be associated with disease. Functional studies in patient cells and in HEK293 cell lines showed this variant severely reduced surface expression and stability of the complex between the alphaIIb and beta3 integrin subunits (example, Sandrock-Lang_2015, Takodoro_2002, French_1997). The following publications have been ascertained in the context of this evaluation (PMID: 9215749, 19691478, 21781244, 25373348, 11806996). ClinVar contains an entry for this variant (Variation ID: 1879043). Based on the evidence outlined above, the variant was classified as pathogenic.

Neuberg Centre For Genomic Medicine, NCGM
Classification: Pathogenic for Glanzmann thrombasthenia 2. Last evaluated: 2023-06-22. Review status: criteria provided, single submitter. Criteria: ACMG Guidelines, 2015. Collection method: clinical testing. Allele origin: germline. Inheritance: Autosomal recessive inheritance. Affected: yes. Not counted in ClinVar's aggregate classification.
Comment: The missense c.725G>A(p.Arg242Gln) variant in ITGB3 gene has been reported in homozygous/ compound heterozygous state in individual(s) affected with Glanzmann thrombasthenia (Kannan M, et. al., 2009; Sandrock-Lang K, et. al., 2015). Experimental studies have shown that this variant impacts protein function (Tadokoro S, et. al., 2002). The p.Arg242Gln variant is absent in gnomAD Exomes. This variant has been reported to the ClinVar database as Pathogenic. Computational evidence (Polyphen - Possibly damaging, SIFT - Tolerated and MutationTaster -disease causing) predicts conflicting evidence on protein structure and function for this variant. The reference amino acid at this position in ITGB3 is predicted as conserved by GERP++ and PhyloP across 100 vertebrates. The amino acid Arg at position 242 is changed to a Gln changing protein sequence and it might alter its composition and physico-chemical properties. For these reasons, this variant has been classified as Pathogenic.

Literature cited by the submitters: PubMed 11806996 (cited by 3 submitters); PubMed 9215749 (cited by Labcorp Genetics (formerly Invitae), Labcorp and Women's Health and Genetics/Laboratory Corporation of America, LabCorp); PubMed 19691478 (cited by Labcorp Genetics (formerly Invitae), Labcorp and Women's Health and Genetics/Laboratory Corporation of America, LabCorp); PubMed 25373348 (cited by Labcorp Genetics (formerly Invitae), Labcorp and Women's Health and Genetics/Laboratory Corporation of America, LabCorp); PubMed 21781244 (cited by Women's Health and Genetics/Laboratory Corporation of America, LabCorp).

NM_000212.3(ITGB3):c.725G>A (p.Arg242Gln)

Gene: ITGB3 (integrin subunit beta 3; plus strand). Cytogenetic location: 17q21.32.
Variant type: single nucleotide variant.
Coding change: c.725G>A on transcript NM_000212.3 (MANE Select); coding-DNA position 725, G replaced by A.
Protein change: p.Arg242Gln; replaces arginine 242 with glutamine.
Molecular consequence: missense variant.
Genome position (GRCh38, 1-based): chr17:47,286,370, G>A. VCF-style: chr17-47286370-G-A. GRCh37 (hg19) VCF-style: chr17-45363736-G-A.
Other names: NM_000212.3:c.725G>A; short protein forms R242Q.
Identifiers: ClinVar variation 1879043 (VCV001879043.7), dbSNP rs377162158, ClinGen allele CA291224896.